The following is an entry in ClinVar:

ClinVar aggregate classification (germline): Benign/Likely benign. Review status: criteria provided, multiple submitters, no conflicts (2 of 4 stars). 5 submissions from 5 submitters: Benign (1); Likely benign (3). 1 of the submissions does not count toward it. Last evaluated 2025-05-18.

Conditions:
CACNA1C-related disorder. Also called: CACNA1C-related condition; CACNA1C-related disorders. Identifiers: MedGen CN381092, MONDO:0700321.
Cardiovascular phenotype. Identifiers: MedGen CN230736.
Long QT syndrome (LQTS). Identifiers: MedGen C0023976, MeSH D008133, MONDO:0002442. Disease mechanism: loss of function. Inheritance: Various modes of inheritance.

Allele frequency attached by ClinVar (database versions not stated): gnomAD 0.00001; gnomAD exomes 0.00001 and 0.00003; TOPMed 0.00001; ExAC 0.00002.
gnomAD v4.1: 44 of 1,602,182 alleles (0.0027%); highest among the groups gnomAD compares: Non-Finnish European, 0.0036%; no homozygotes.

Submissions (5):

Labcorp Genetics (formerly Invitae), Labcorp
Classification: Likely benign for Long QT syndrome. Last evaluated: 2025-05-18. Review status: criteria provided, single submitter. Criteria: Invitae Variant Classification Sherloc (09022015). Collection method: clinical testing. Allele origin: germline.

Mayo Clinic Laboratories, Mayo Clinic
Classification: Likely benign. Last evaluated: 2025-02-24. Review status: criteria provided, single submitter. Criteria: ACMG Guidelines, 2015. Collection method: clinical testing. Allele origin: germline. Observed: 1 variant allele.
Comment: BP4, BP7, PM2_supporting

Ambry Genetics
Classification: Likely benign for Cardiovascular phenotype. Last evaluated: 2023-09-22. Review status: criteria provided, single submitter. Criteria: Ambry Variant Classification Scheme 2023. Collection method: clinical testing. Allele origin: germline.

GeneDx
Classification: Benign. Last evaluated: 2015-03-03. Review status: criteria provided, single submitter. Criteria: GeneDx Variant Classification Process June 2021. Collection method: clinical testing. Allele origin: germline. Affected: yes.

PreventionGenetics, part of Exact Sciences
Classification: Likely benign for CACNA1C-related condition. Last evaluated: 2022-01-20. Review status: no assertion criteria provided. Collection method: clinical testing. Allele origin: germline. Not counted in ClinVar's aggregate classification.
Comment: This variant is classified as likely benign based on ACMG/AMP sequence variant interpretation guidelines (Richards et al. 2015 PMID: 25741868, with internal and published modifications).

NM_000719.7(CACNA1C):c.6243C>T (p.Ile2081=)

Genes: CACNA1C (calcium voltage-gated channel subunit alpha1 C; plus strand), CACNA1C-AS1 (CACNA1C antisense RNA 1; minus strand). Cytogenetic location: 12p13.33.
Variant type: single nucleotide variant.
Coding change: c.6243C>T on transcript NM_000719.7 (MANE Select); coding-DNA position 6243, C replaced by T.
Protein change: p.Ile2081=; no amino-acid change (isoleucine 2081 retained).
Molecular consequence: synonymous variant.
Genome position (GRCh38, 1-based): chr12:2,691,025, C>T. VCF-style: chr12-2691025-C-T. GRCh37 (hg19) VCF-style: chr12-2800191-C-T.
Other names: p.Ile2081=; c.6387C>T, p.Ile2129= (NM_001129827.2); c.6366C>T, p.Ile2122= (NM_001129829.2); c.6348C>T, p.Ile2116= (NM_001129830.3, NM_001167624.3); c.6327C>T, p.Ile2109= (NM_001129831.2); c.6303C>T, p.Ile2101= (NM_001129832.2); c.6300C>T, p.Ile2100= (NM_001129833.2, NM_001129834.2, NM_001129835.2); c.6294C>T, p.Ile2098= (NM_001129836.2); and 7 more.
Identifiers: ClinVar variation 1101643 (VCV001101643.15), dbSNP rs763666740, ClinGen allele CA6390111.
Genomic context (GRCh38, chr12:2,691,025, plus strand): 5'-GGAGCTGGCCGACGCCTGCGACATGACCATAGAGGAGATGGAGAGCGCGGCCGACAACAT[C>T]CTCAGCGGGGGCGCCCCACAGAGCCCCAATGGCGCCCTCTTACCCTTTGTGAACTGCAGG-3'
Protein context (NP_000710.5, residues 2071-2091): IEEMESAADN[Ile2081=]LSGGAPQSPN